The following is an entry in ClinVar:

ClinVar aggregate classification (germline): Uncertain significance (1 of 4 stars; one submission).

Conditions:
Developmental and epileptic encephalopathy, 23 (DEE23). Also called: Epileptic encephalopathy, early infantile, 23. Identifiers: Orphanet 411986, MedGen C4014492, MONDO:0014371, OMIM 615859.

Allele frequency attached by ClinVar (database versions not stated): gnomAD exomes below 0.00001; TOPMed 0.00001.
gnomAD v4.1: 1 of 1,584,082 alleles (0.000063%); highest among the groups gnomAD compares: Admixed American, 0.0017%; no homozygotes.

Submission:

Labcorp Genetics (formerly Invitae), Labcorp
Classification: Uncertain significance for Developmental and epileptic encephalopathy, 23. Last evaluated: 2021-08-27. Review status: criteria provided, single submitter. Criteria: Invitae Variant Classification Sherloc (09022015). Collection method: clinical testing. Allele origin: germline.
Comment: This sequence change replaces threonine with serine at codon 1728 of the DOCK7 protein (p.Thr1728Ser). The threonine residue is highly conserved and there is a small physicochemical difference between threonine and serine. This variant is not present in population databases (ExAC no frequency). This variant has not been reported in the literature in individuals affected with DOCK7-related conditions. Algorithms developed to predict the effect of missense changes on protein structure and function (SIFT, PolyPhen-2, Align-GVGD) all suggest that this variant is likely to be tolerated. In summary, the available evidence is currently insufficient to determine the role of this variant in disease. Therefore, it has been classified as a Variant of Uncertain Significance.

NM_001367561.1(DOCK7):c.5209A>T (p.Thr1737Ser)

Gene: DOCK7 (dedicator of cytokinesis 7; minus strand). Cytogenetic location: 1p31.3.
Variant type: single nucleotide variant.
Coding change: c.5209A>T on transcript NM_001367561.1 (MANE Select); coding-DNA position 5209, A replaced by T.
Protein change: p.Thr1737Ser; replaces threonine 1737 with serine.
Molecular consequence: missense variant.
Genome position (GRCh38, 1-based): chr1:62,494,283, T>A on the plus strand (A>T on the coding strand, the complement: DOCK7 is on the minus strand). VCF-style: chr1-62494283-T-A. GRCh37 (hg19) VCF-style: chr1-62959954-T-A.
Other names: c.5182A>T, p.Thr1728Ser (NM_001271999.2, NM_001330614.2); c.5089A>T, p.Thr1697Ser (NM_001272000.2, NM_001272001.2); c.5116A>T, p.Thr1706Ser (NM_033407.4); short protein forms T1697S, T1706S, T1728S, T1737S.
Identifiers: ClinVar variation 1052299 (VCV001052299.6), dbSNP rs1167481389, ClinGen allele CA340611682.
Genomic context (GRCh38, chr1:62,494,283, plus strand): 5'-AAAACCAAAAAAAGATATACCTTGATTTAATGTACATCTGGAAGATTCCTACCTGAAATG[T>A]TACACATCCCACAGGAAGATATTTCCGGTCCTCCAGCATGCTCAAATATTCAGCAACAAG-3'
Protein context (NP_001354490.1, residues 1727-1747): DRKYLPVGCV[Thr1737Ser]FQNISSNVLE